The following is an entry in ClinVar:

NM_001130965.3(SUN1):c.452-3del

Gene: SUN1 (Sad1 and UNC84 domain containing 1; plus strand). Cytogenetic location: 7p22.3.
Variant type: Deletion.
Coding change: c.452-3del on transcript NM_001130965.3 (MANE Select); 3 bases into the intron before coding-DNA position 452, one base deleted (T; older notation c.452-3delT).
Molecular consequence: intron variant.
Genome position (GRCh38, 1-based): chr7:843,203, T deleted; the last of 11 consecutive T bases (chr7:843,193-843,203); deleting any one gives the same sequence. VCF-style (leftmost placement, unchanged base first): chr7-843192-GT-G. GRCh37 (hg19) VCF-style: chr7-882829-GT-G.
Other names: c.452-3del (NM_001367634.1, NM_001367669.1, NM_001367705.1 and 33 more transcripts); c.671-3del (NM_001367651.1); c.-6-3del (NM_001367635.1); c.451+1073del (NM_001171944.2); c.263-3del (NM_001367695.1); c.302-3del (NM_001367666.1, NM_001367655.1, NM_001367691.1 and 23 more transcripts); c.-310-3del (NM_001367658.1); c.-116-3del (NM_001367639.1, NM_001367708.1); and 2 more.
Identifiers: ClinVar variation 1249887 (VCV001249887.13), dbSNP rs34925195, ClinGen allele CA4111534.

ClinVar aggregate classification (germline): Benign. Review status: criteria provided, multiple submitters, no conflicts (2 of 4 stars). 3 submissions from 3 submitters: Benign (2). 1 of the submissions does not count toward it. Last evaluated 2026-02-03.

Conditions:
Emery-Dreifuss muscular dystrophy (EDMD). Also called: Scapuloperoneal syndrome, X-linked (formerly); Humeroperoneal neuromuscular disease, (formerly). Identifiers: Orphanet 261, MedGen C0410189, MONDO:0016830.
SUN1-related disorder. Also called: SUN1-related condition.

Submissions (3):

Labcorp Genetics (formerly Invitae), Labcorp
Classification: Benign for Emery-Dreifuss muscular dystrophy. Last evaluated: 2026-02-03. Review status: criteria provided, single submitter. Criteria: Invitae Variant Classification Sherloc (09022015). Collection method: clinical testing. Allele origin: germline.

GeneDx
Classification: Benign. Last evaluated: 2021-05-05. Review status: criteria provided, single submitter. Criteria: GeneDx Variant Classification Process June 2021. Collection method: clinical testing. Allele origin: germline. Affected: yes.

PreventionGenetics, part of Exact Sciences
Classification: Benign for SUN1-related condition. Last evaluated: 2019-07-19. Review status: no assertion criteria provided. Collection method: clinical testing. Allele origin: germline. Not counted in ClinVar's aggregate classification.
Comment: This variant is classified as benign based on ACMG/AMP sequence variant interpretation guidelines (Richards et al. 2015 PMID: 25741868, with internal and published modifications).